The following is an entry in ClinVar:

ClinVar aggregate classification (germline): Uncertain significance (1 of 4 stars; one submission).

Conditions:
Language delay and attention deficit-hyperactivity disorder/cognitive impairment with or without cardiac arrhythmia (LDMLS2). Also called: LODDER-MERLA SYNDROME, TYPE 2, WITH DEVELOPMENTAL DELAY AND WITH OR WITHOUT CARDIAC ARRHYTHMIA. Identifiers: MedGen C4310678, MONDO:0014957, OMIM 617182.

gnomAD v4.1: 1 of 1,612,892 alleles (0.000062%); highest among the groups gnomAD compares: Non-Finnish European, 0.000085%; no homozygotes.

Submission:

Victorian Clinical Genetics Services, Murdoch Childrens Research Institute
Classification: Uncertain significance for Language delay and attention deficit-hyperactivity disorder/cognitive impairment with or without cardiac arrhythmia. Last evaluated: 2024-09-20. Review status: criteria provided, single submitter. Criteria: ACMG Guidelines, 2015. Collection method: clinical testing. Allele origin: germline. Inheritance: Autosomal recessive inheritance. Affected: yes.
Comment: Based on the classification scheme VCGS_Germline_v1.3.4, this variant is classified as VUS-3B. Following criteria are met: 0102 - Loss of function is a known mechanism of disease in this gene and is associated with Lodder-Merla syndrome, type 1, with impaired intellectual development and cardiac arrhythmia (MIM#617173) and Lodder-Merla syndrome, type 2, with developmental delay and with or without cardiac arrhythmia (MIM#617182). (I) 0106 - This gene is associated with autosomal recessive disease. (I) 0200 - Variant is predicted to result in a missense amino acid change from leucine to proline. (I) 0252 - This variant is homozygous. (I) 0301 - Variant is absent from gnomAD (both v2 and v3). (SP) 0309 - An alternative amino acid change at the same position has been observed in gnomAD (v2) (1 heterozygote, 0 homozygotes). (I) 0502 - Missense variant with conflicting in silico predictions and uninformative conservation. (I) 0604 - Variant is not located in an established domain, motif, hotspot or informative constraint region. (I) 0705 - No comparable missense variants have previous evidence for pathogenicity. (I) 0807 - This variant has no previous evidence of pathogenicity. (I) 0905 - No published segregation evidence has been identified for this variant. (I) 1007 - No published functional evidence has been identified for this variant. (I) 1207 - Parental origin of the variant is unresolved. (I) Legend: (SP) - Supporting pathogenic, (I) - Information, (SB) - Supporting benign

NM_016194.4(GNB5):c.662T>C (p.Leu221Pro)

Gene: GNB5 (G protein subunit beta 5; minus strand). Cytogenetic location: 15q21.2.
Variant type: single nucleotide variant.
Coding change: c.662T>C on transcript NM_016194.4 (MANE Select); coding-DNA position 662, T replaced by C.
Protein change: p.Leu221Pro; replaces leucine 221 with proline.
Molecular consequence: missense variant.
Genome position (GRCh38, 1-based): chr15:52,135,722, A>G on the plus strand (T>C on the coding strand, the complement: GNB5 is on the minus strand). VCF-style: chr15-52135722-A-G. GRCh37 (hg19) VCF-style: chr15-52427919-A-G.
Other names: c.380T>C, p.Leu127Pro (NM_001379343.1); c.536T>C, p.Leu179Pro (NM_006578.4); short protein forms L127P, L179P, L221P.
Identifiers: ClinVar variation 3254993 (VCV003254993.2), dbSNP rs1207808575.